The following is an entry in ClinVar:

NM_006947.4(SRP72):c.29C>G (p.Ser10Ter)

Genes: SRP72 (signal recognition particle 72; plus strand), LOC129992625 (ATAC-STARR-seq lymphoblastoid active region 21580; plus strand). Cytogenetic location: 4q12.
Variant type: single nucleotide variant.
Coding change: c.29C>G on transcript NM_006947.4 (MANE Select); coding-DNA position 29, C replaced by G.
Protein change: p.Ser10Ter; replaces serine 10 with a stop codon.
Molecular consequence: nonsense. On other transcripts: non-coding transcript variant (1).
Genome position (GRCh38, 1-based): chr4:56,467,664, C>G. VCF-style: chr4-56467664-C-G. GRCh37 (hg19) VCF-style: chr4-57333830-C-G.
Other names: c.29C>G, p.Ser10Ter (NM_001267722.2); short protein forms S10*.
Identifiers: ClinVar variation 3723961 (VCV003723961.2).
Genomic context (GRCh38, chr4:56,467,664, plus strand): 5'-GTCTCCCCGCCCCGCCCCTCGTCTCCTCCAAGATGGCGAGCGGCGGCAGCGGGGGGGTGT[C>G]AGTACCTGCGCTGTGGAGTGAAGTGAACCGGTATGGCCAGAACGGCGACTTCACGCGCGC-3'

ClinVar aggregate classification (germline): Uncertain significance (1 of 4 stars; one submission).

gnomAD v4.1: 1 of 1,559,260 alleles (0.000064%); highest among the groups gnomAD compares: Non-Finnish European, 0.000087%; no homozygotes.

Submission:

Labcorp Genetics (formerly Invitae), Labcorp
Classification: Uncertain significance. Last evaluated: 2024-10-28. Review status: criteria provided, single submitter. Criteria: Invitae Variant Classification Sherloc (09022015). Collection method: clinical testing. Allele origin: germline.
Comment: This sequence change creates a premature translational stop signal (p.Ser10*) in the SRP72 gene. It is expected to result in an absent or disrupted protein product. However, the current clinical and genetic evidence is not sufficient to establish whether loss-of-function variants in SRP72 cause disease. This variant is not present in population databases (gnomAD no frequency). This variant has not been reported in the literature in individuals affected with SRP72-related conditions. In summary, the available evidence is currently insufficient to determine the role of this variant in disease. Therefore, it has been classified as a Variant of Uncertain Significance.